The following is an entry in ClinVar:

NM_005076.5(CNTN2):c.1743T>G (p.His581Gln)

Gene: CNTN2 (contactin 2; plus strand). Cytogenetic location: 1q32.1.
Variant type: single nucleotide variant.
Coding change: c.1743T>G on transcript NM_005076.5 (MANE Select); coding-DNA position 1743, T replaced by G.
Protein change: p.His581Gln; replaces histidine 581 with glutamine.
Molecular consequence: missense variant. On other transcripts: non-coding transcript variant (1).
Genome position (GRCh38, 1-based): chr1:205,065,836, T>G. VCF-style: chr1-205065836-T-G. GRCh37 (hg19) VCF-style: chr1-205034964-T-G.
Other names: c.1743T>G, p.His581Gln (NM_001346083.2); short protein forms H581Q.
Identifiers: ClinVar variation 1420516 (VCV001420516.6), dbSNP rs1446657575, ClinGen allele CA344375765.

ClinVar aggregate classification (germline): Uncertain significance (1 of 4 stars; one submission).

Conditions:
Epilepsy, familial adult myoclonic, 5 (EPEO5). Also called: CORTICAL MYOCLONIC TREMOR WITH EPILEPSY, FAMILIAL, 5. Identifiers: Orphanet 86814, MedGen C3809374, MONDO:0014167, OMIM 615400.

Allele frequency attached by ClinVar (database versions not stated): gnomAD 0.00001; TOPMed 0.00001; gnomAD exomes 0.00002.

Submission:

Labcorp Genetics (formerly Invitae), Labcorp
Classification: Uncertain significance for Epilepsy, familial adult myoclonic, 5. Last evaluated: 2022-01-14. Review status: criteria provided, single submitter. Criteria: Invitae Variant Classification Sherloc (09022015). Collection method: clinical testing. Allele origin: germline.
Comment: This variant is not present in population databases (gnomAD no frequency). In summary, the available evidence is currently insufficient to determine the role of this variant in disease. Therefore, it has been classified as a Variant of Uncertain Significance. Advanced modeling of protein sequence and biophysical properties (such as structural, functional, and spatial information, amino acid conservation, physicochemical variation, residue mobility, and thermodynamic stability) performed at Invitae indicates that this missense variant is not expected to disrupt CNTN2 protein function. This variant has not been reported in the literature in individuals affected with CNTN2-related conditions. This sequence change replaces histidine, which is basic and polar, with glutamine, which is neutral and polar, at codon 581 of the CNTN2 protein (p.His581Gln).